The following is an entry in ClinVar:

NM_001127208.3(TET2):c.1709C>G (p.Pro570Arg)

Genes: TET2 (tet methylcytosine dioxygenase 2; plus strand), TET2-AS1 (TET2 antisense RNA 1; minus strand). Cytogenetic location: 4q24.
Variant type: single nucleotide variant.
Coding change: c.1709C>G on transcript NM_001127208.3 (MANE Select); coding-DNA position 1709, C replaced by G.
Protein change: p.Pro570Arg; replaces proline 570 with arginine.
Molecular consequence: missense variant.
Genome position (GRCh38, 1-based): chr4:105,235,651, C>G. VCF-style: chr4-105235651-C-G. GRCh37 (hg19) VCF-style: chr4-106156808-C-G.
Other names: c.1709C>G, p.Pro570Arg (NM_017628.4); short protein forms P570R.
Identifiers: ClinVar variation 3967516 (VCV003967516.1).

ClinVar aggregate classification (germline): Uncertain significance (1 of 4 stars; one submission).

Submission:

Ambry Genetics
Classification: Uncertain significance. Last evaluated: 2025-04-01. Review status: criteria provided, single submitter. Criteria: Ambry Variant Classification Scheme 2023. Collection method: clinical testing. Allele origin: germline.
Comment: The p.P570R variant (also known as c.1709C>G), located in coding exon 1 of the TET2 gene, results from a C to G substitution at nucleotide position 1709. The proline at codon 570 is replaced by arginine, an amino acid with dissimilar properties. This amino acid position is conserved. In addition, this alteration is predicted to be tolerated by in silico analysis. Based on the available evidence, the clinical significance of this variant remains unclear.